The following is an entry in ClinVar:

NM_001267550.2(TTN):c.81856G>A (p.Val27286Ile)

Genes: TTN (titin; minus strand), TTN-AS1 (TTN antisense RNA 1; plus strand). Cytogenetic location: 2q31.2.
Variant type: single nucleotide variant.
Coding change: c.81856G>A on transcript NM_001267550.2 (MANE Select); coding-DNA position 81856, G replaced by A.
Protein change: p.Val27286Ile; replaces valine 27286 with isoleucine.
Molecular consequence: missense variant.
Genome position (GRCh38, 1-based): chr2:178,564,276, C>T on the plus strand (G>A on the coding strand, the complement: TTN is on the minus strand). VCF-style: chr2-178564276-C-T. GRCh37 (hg19) VCF-style: chr2-179429003-C-T.
Other names: c.76933G>A, p.Val25645Ile (NM_001256850.1); c.74152G>A, p.Val24718Ile (NM_133378.4); c.54661G>A, p.Val18221Ile (NM_003319.4); c.55036G>A, p.Val18346Ile (NM_133432.3); c.55237G>A, p.Val18413Ile (NM_133437.4); short protein forms V27286I, V24718I, V25645I, V18221I, V18346I, V18413I.
Identifiers: ClinVar variation 47403 (VCV000047403.12), dbSNP rs372784067, ClinGen allele CA140895.

ClinVar aggregate classification (germline): Conflicting classifications of pathogenicity. Review status: criteria provided, conflicting classifications (1 of 4 stars). 5 submissions from 5 submitters: Uncertain significance (4); Likely benign (1). Last evaluated 2025-05-22.

Conditions:
TTN-related disorder. Also called: TTN-related condition; TTN-related disease; TTN-related disorders.
Autosomal recessive limb-girdle muscular dystrophy type 2J (LGMDR10). Also called: Limb-girdle muscular dystrophy, type 2J; MUSCULAR DYSTROPHY, LIMB-GIRDLE, AUTOSOMAL RECESSIVE 10. Identifiers: Orphanet 140922, MedGen C1837342, MONDO:0012127, OMIM 608807.
Dilated cardiomyopathy 1G (CMD1G). Identifiers: Orphanet 154, MedGen C1858763, MONDO:0011400, OMIM 604145.

Allele frequency attached by ClinVar (database versions not stated): gnomAD exomes 0.00002 and 0.00003; ExAC 0.00004; ESP Exome Variant Server 0.00008; gnomAD 0.00011; TOPMed 0.00014.
gnomAD v4.1: 42 of 1,613,232 alleles (0.0026%); highest among the groups gnomAD compares: African/African-American, 0.037%; no homozygotes.

Submissions (5):

PreventionGenetics, part of Exact Sciences
Classification: Uncertain significance for TTN-related condition. Last evaluated: 2025-05-22. Review status: criteria provided, single submitter. Criteria: ACMG Guidelines, 2015. Collection method: clinical testing. Allele origin: germline.
Comment: The TTN c.81856G>A variant is predicted to result in the amino acid substitution p.Val27286Ile. To our knowledge, this variant has not been reported in the literature. This variant is reported in 0.019% of alleles in individuals of African descent in gnomAD. At this time, the clinical significance of this variant is uncertain due to the absence of conclusive functional and genetic evidence.

Revvity Omics, Revvity
Classification: Uncertain significance. Last evaluated: 2019-06-25. Review status: criteria provided, single submitter. Criteria: ACMG Guidelines, 2015. Collection method: clinical testing. Allele origin: germline.

GeneDx
Classification: Likely benign. Last evaluated: 2019-06-17. Review status: criteria provided, single submitter. Criteria: GeneDx Variant Classification Process June 2021. Collection method: clinical testing. Allele origin: germline. Affected: yes.

Labcorp Genetics (formerly Invitae), Labcorp
Classification: Uncertain significance for Dilated cardiomyopathy 1G; Autosomal recessive limb-girdle muscular dystrophy type 2J. Last evaluated: 2017-12-29. Review status: criteria provided, single submitter. Criteria: Invitae Variant Classification Sherloc (09022015). Collection method: clinical testing. Allele origin: germline.

Laboratory for Molecular Medicine, Mass General Brigham Personalized Medicine
Classification: Uncertain significance. Last evaluated: 2012-10-31. Review status: criteria provided, single submitter. Criteria: LMM Criteria. Collection method: clinical testing. Allele origin: germline. Observed: 1 variant allele.
Comment: Variant classified as Uncertain Significance - Favor Benign. The Val24718Ile var iant in TTN has not been reported in the literature nor previously identified by our laboratory. This variant has been identified in 1/3849 African American chr omosomes from a broad population by the NHLBI Exome Sequencing Project. Valine (Val) at position 24718 is not conserved in ev olution, and multiple mammals have an isoleucine (Ile) at this position despite high nearby amino acid conservation. This and other computational analyses (bioc hemical properties, AlignGVGD, PolyPhen2, and SIFT) suggest that this variant ma y not impact the protein, though this information is not predictive enough to ru le out pathogenicity. In summary, this variant is less likely disease causing bu t additional studies are needed to fully assess its clinical significance.